The following is an entry in ClinVar:

NM_181458.4(PAX3):c.372_373del (p.Asn125fs)

Gene: PAX3 (paired box 3; minus strand). Cytogenetic location: 2q36.1.
Variant type: Microsatellite.
Coding change: c.372_373del on transcript NM_181458.4 (MANE Select); coding-DNA positions 372 to 373, 2 bases deleted (GA; older notation c.372_373delGA).
Protein change: p.Asn125fs; shifts the reading frame from asparagine 125.
Molecular consequence: frameshift variant.
Genome position (GRCh38, 1-based): chr2:222,295,606-222,295,607, TC deleted on the plus strand (GA on the coding strand, the reverse complement: PAX3 is on the minus strand); deleting any 2 consecutive bases within chr2:222,295,606-222,295,612 gives the same sequence; the c. name uses the placement nearest the transcript's 3' end. VCF-style (leftmost placement, unchanged base first): chr2-222295605-TTC-T. GRCh37 (hg19) VCF-style: chr2-223160324-TTC-T.
Other names: c.372_373del, p.Asn125fs (NM_000438.6, NM_181459.4, NM_181460.4 and 3 more transcripts); c.369_370del, p.Asn124fs (NM_001127366.3); short protein forms N124fs, N125fs.
Identifiers: ClinVar variation 1185059 (VCV001185059.2), dbSNP rs2106200388, ClinGen allele CA2580616712.

ClinVar aggregate classification (germline): Pathogenic. Review status: criteria provided, single submitter (1 of 4 stars). 2 submissions from 2 submitters: Pathogenic (1). 1 of the submissions does not count toward it. Last evaluated 2024-10-04.

Conditions:
Waardenburg syndrome type 1 (WS1). Also called: Waardenburg Syndrome Type I; WAARDENBURG SYNDROME WITH DYSTOPIA CANTHORUM. Identifiers: Orphanet 894, MedGen C1847800, MONDO:0008670, OMIM 193500.
Waardenburg syndrome. Also called: Waardenburg's syndrome. Identifiers: Orphanet 3440, MedGen C3266898, MONDO:0018094.

Submissions (2):

Dubai Health Genomic Medicine Center, Dubai Health
Classification: Pathogenic for Waardenburg syndrome. Last evaluated: 2024-10-04. Review status: criteria provided, single submitter. Criteria: ACMG Guidelines, 2015. Collection method: research. Allele origin: germline. Affected: yes.
Comment: PVS1,PS2,PP1

WangQJ Lab, Chinese People's Liberation Army General Hospital
Classification: Pathogenic for Waardenburg syndrome type 1. Last evaluated: 2021-07-01. Review status: no assertion criteria provided. Collection method: clinical testing. Allele origin: de novo. Affected: yes. Not counted in ClinVar's aggregate classification.